The following is an entry in ClinVar:

NM_015443.4(KANSL1):c.2371C>A (p.His791Asn)

Gene: KANSL1 (KAT8 regulatory NSL complex subunit 1). Cytogenetic location: 17q21.31.
Variant type: single nucleotide variant.
Coding change: c.2371C>A on transcript NM_015443.4 (MANE Select); coding-DNA position 2371, C replaced by A.
Protein change: p.His791Asn; replaces histidine 791 with asparagine.
Molecular consequence: missense variant.
Genome position (GRCh38, 1-based): chr17:46,039,048, G>T on the plus strand (C>A on the coding strand, the complement: KANSL1 is on the minus strand). VCF-style: chr17-46039048-G-T. GRCh37 (hg19) VCF-style: chr17-44116414-G-T.
Other names: c.2371C>A, p.His791Asn (NM_001193465.2, NM_001193466.2, NM_001379198.1); short protein forms H791N.
Identifiers: ClinVar variation 388451 (VCV000388451.1), dbSNP rs1057523108, ClinGen allele CA16608491.

ClinVar aggregate classification (germline): Likely benign (1 of 4 stars; one submission).

Submission:

GeneDx
Classification: Likely benign. Last evaluated: 2016-08-11. Review status: criteria provided, single submitter. Criteria: GeneDx Variant Classification (06012015). Collection method: clinical testing. Allele origin: germline. Affected: yes.
Comment: This variant is considered likely benign or benign based on one or more of the following criteria: it is a conservative change, it occurs at a poorly conserved position in the protein, it is predicted to be benign by multiple in silico algorithms, and/or has population frequency not consistent with disease.